The following is an entry in ClinVar:

NM_001267550.2(TTN):c.44060T>C (p.Met14687Thr)

Gene: TTN (titin; minus strand). Cytogenetic location: 2q31.2.
Variant type: single nucleotide variant.
Coding change: c.44060T>C on transcript NM_001267550.2 (MANE Select); coding-DNA position 44060, T replaced by C.
Protein change: p.Met14687Thr; replaces methionine 14687 with threonine.
Molecular consequence: missense variant.
Genome position (GRCh38, 1-based): chr2:178,630,898, A>G on the plus strand (T>C on the coding strand, the complement: TTN is on the minus strand). VCF-style: chr2-178630898-A-G. GRCh37 (hg19) VCF-style: chr2-179495625-A-G.
Other names: c.39137T>C, p.Met13046Thr (NM_001256850.1); c.16865T>C, p.Met5622Thr (NM_003319.4); c.36356T>C, p.Met12119Thr (NM_133378.4); c.17240T>C, p.Met5747Thr (NM_133432.3); c.17441T>C, p.Met5814Thr (NM_133437.4); short protein forms M12119T, M13046T, M5622T, M5814T, M14687T, M5747T.
Identifiers: ClinVar variation 1777997 (VCV001777997.2), dbSNP rs2059719184, ClinGen allele CA349646233.

ClinVar aggregate classification (germline): Uncertain significance (1 of 4 stars; one submission).

Conditions:
Cardiovascular phenotype. Identifiers: MedGen CN230736.

Submission:

Ambry Genetics
Classification: Uncertain significance for Cardiovascular phenotype. Last evaluated: 2020-05-26. Review status: criteria provided, single submitter. Criteria: Ambry Variant Classification Scheme 2023. Collection method: clinical testing. Allele origin: germline.
Comment: The p.M5622T variant (also known as c.16865T>C), located in coding exon 65 of the TTN gene, results from a T to C substitution at nucleotide position 16865. The methionine at codon 5622 is replaced by threonine, an amino acid with similar properties. This amino acid position is poorly conserved in available vertebrate species. In addition, this alteration is predicted to be tolerated by in silico analysis. Since supporting evidence is limited at this time, the clinical significance of this alteration remains unclear.